The following is an entry in ClinVar:

ClinVar aggregate classification (germline): Pathogenic (1 of 4 stars; one submission).

Submission:

GeneDx
Classification: Pathogenic. Last evaluated: 2016-08-10. Review status: criteria provided, single submitter. Criteria: GeneDx Variant Classification (06012015). Collection method: clinical testing. Allele origin: germline. Affected: yes.
Comment: The c.2179_2180dupTC pathogenic variant in the POMT1 gene causes a frameshift starting with codon Proline 728, changes this amino acid to an Arginine residue and creates a premature Stop codon at position 17 of the new reading frame, denoted p.Pro728ArgfsX17. This pathogenic variant is predicted to cause loss of normal protein function through protein truncation, as the last 20 amino acids are replaced with 16 incorrect amino acids. Furthermore, c.2179_2180dupTC was not observed in approximately 6,500 individuals of European and African American ancestry in the NHLBI Exome Sequencing Project, indicating it is not a common benign variant in these populations. Although this variant has not been reported previously to our knowledge, other frameshift variants have been reported in the Human Gene Mutation Database in association with POMT1-related disorders (Stenson et al., 2014). Therefore, c.2179_2180dupTC is considered a pathogenic variant.

NM_001077365.2(POMT1):c.2113_2114dup (p.Pro706fs)

Gene: POMT1 (protein O-mannosyltransferase 1; plus strand). Cytogenetic location: 9q34.13.
Variant type: Microsatellite.
Coding change: c.2113_2114dup on transcript NM_001077365.2 (MANE Select); coding-DNA positions 2113 to 2114, 2 bases duplicated (TC; older notation c.2113_2114dupTC).
Protein change: p.Pro706fs; shifts the reading frame from proline 706.
Molecular consequence: frameshift variant. On other transcripts: non-coding transcript variant (10).
Genome position (GRCh38, 1-based): chr9:131,523,041-131,523,042, TC duplicated; duplicating any 2 consecutive bases within chr9:131,523,038-131,523,042 gives the same sequence; the c. name uses the placement nearest the transcript's 3' end. VCF-style (leftmost placement, unchanged base first): chr9-131523037-A-ACT. GRCh37 (hg19) VCF-style: chr9-134398424-A-ACT.
Other names: c.1951_1952dup, p.Pro652fs (NM_001077366.2, NM_001353194.2); c.2113_2114dup, p.Pro706fs (NM_001136113.2); c.1762_1763dup, p.Pro589fs (NM_001136114.2, NM_001353195.2, NM_001374691.1 and 2 more transcripts); c.2179_2180dup, p.Pro728fs (NM_001353193.2, NM_007171.4); c.2023_2024dup, p.Pro676fs (NM_001353196.2); c.2017_2018dup, p.Pro674fs (NM_001353197.2, NM_001353198.2); c.1828_1829dup, p.Pro611fs (NM_001353199.2); c.1657_1658dup, p.Pro554fs (NM_001353200.2); and 4 more; short protein forms P611fs, P633fs, P674fs, P554fs, P652fs, P589fs, P706fs, P728fs.
Identifiers: ClinVar variation 280761 (VCV000280761.1), dbSNP rs587777819, ClinGen allele CA10603088.
Genomic context (GRCh38, chr9:131,523,037, plus strand): 5'-GTACTCCTCCGCGTGCCACGTGTCCAACACGCTGCGCCCACTCACCTACGGGGACAAGTC[A>ACT]CTCTCGCCACATGAACTCAAGGCCCTTCGCTGGAAAGACAGCTGGGACATCTTGATCCGA-3'